The following is an entry in ClinVar:

NM_198578.4(LRRK2):c.2890C>A (p.Leu964Ile)

Gene: LRRK2 (leucine rich repeat kinase 2; plus strand). Cytogenetic location: 12q12.
Variant type: single nucleotide variant.
Coding change: c.2890C>A on transcript NM_198578.4 (MANE Select); coding-DNA position 2890, C replaced by A.
Protein change: p.Leu964Ile; replaces leucine 964 with isoleucine.
Molecular consequence: missense variant.
Genome position (GRCh38, 1-based): chr12:40,295,438, C>A. VCF-style: chr12-40295438-C-A. GRCh37 (hg19) VCF-style: chr12-40689240-C-A.
Other names: short protein forms L964I.
Identifiers: ClinVar variation 2453035 (VCV002453035.2), dbSNP rs1944343038, ClinGen allele CA384412417.

ClinVar aggregate classification (germline): Uncertain significance (1 of 4 stars; one submission).

Conditions:
Inborn genetic diseases. Identifiers: MedGen C0950123, MeSH D030342.

Submission:

Ambry Genetics
Classification: Uncertain significance for Inborn genetic diseases. Last evaluated: 2022-11-30. Review status: criteria provided, single submitter. Criteria: Ambry Variant Classification Scheme 2023. Collection method: clinical testing. Allele origin: germline.
Comment: The p.L964I variant (also known as c.2890C>A), located in coding exon 23 of the LRRK2 gene, results from a C to A substitution at nucleotide position 2890. The leucine at codon 964 is replaced by isoleucine, an amino acid with highly similar properties. This amino acid position is conserved. In addition, this alteration is predicted to be tolerated by in silico analysis. Since supporting evidence is limited at this time, the clinical significance of this alteration remains unclear.